The following is an entry in ClinVar:

NM_005337.5(NCKAP1L):c.232C>T (p.His78Tyr)

Gene: NCKAP1L (NCK associated protein 1 like; plus strand). Cytogenetic location: 12q13.2.
Variant type: single nucleotide variant.
Coding change: c.232C>T on transcript NM_005337.5 (MANE Select); coding-DNA position 232, C replaced by T.
Protein change: p.His78Tyr; replaces histidine 78 with tyrosine.
Molecular consequence: missense variant.
Genome position (GRCh38, 1-based): chr12:54,500,551, C>T. VCF-style: chr12-54500551-C-T. GRCh37 (hg19) VCF-style: chr12-54894335-C-T.
Other names: c.82C>T, p.His28Tyr (NM_001184976.2); short protein forms H28Y, H78Y.
Identifiers: ClinVar variation 2061132 (VCV002061132.4), dbSNP rs146252835, ClinGen allele CA6608755.
Genomic context (GRCh38, chr12:54,500,551, plus strand): 5'-TATTTTGCACTTTTTTATTGTTTTGTTTTGTGTTTCTCTCAGCAACATTTAGGACCAGTA[C>T]ATCGTGAAAAAGCCGAGATAATTAGATTCCTCACCAACTACTACCAGTCATTTGTGGATG-3'
Protein context (NP_005328.2, residues 68-88): RNSTQHLGPV[His78Tyr]REKAEIIRFL

ClinVar aggregate classification (germline): Uncertain significance. Review status: criteria provided, multiple submitters, no conflicts (2 of 4 stars). 3 submissions from 3 submitters: Uncertain significance (3). Last evaluated 2026-01-12.

Allele frequency attached by ClinVar (database versions not stated): ESP Exome Variant Server 0.00023; TOPMed 0.00025; gnomAD 0.00026.
gnomAD v4.1: 642 of 1,611,736 alleles (0.04%); highest among the groups gnomAD compares: Non-Finnish European, 0.05%; no homozygotes.

Submissions (3):

Women's Health and Genetics/Laboratory Corporation of America, LabCorp
Classification: Uncertain significance. Last evaluated: 2026-01-12. Review status: criteria provided, single submitter. Criteria: LabCorp Variant Classification Summary - May 2015. Collection method: clinical testing. Allele origin: germline.
Comment: Variant summary: NCKAP1L c.232C>T (p.His78Tyr) results in a conservative amino acid change in the encoded protein sequence. Algorithms developed to predict the effect of missense changes on protein structure and function are either unavailable or do not agree on the potential impact of this missense change. The variant allele was found at a frequency of 0.00025 in 251444 control chromosomes (gnomAD). This frequency is not significantly higher than estimated for disease-causing variants in NCKAP1L, allowing no conclusion about variant significance. To our knowledge, no occurrence of c.232C>T in individuals affected with NCKAP1L-related conditions and no experimental evidence demonstrating its impact on protein function have been reported. ClinVar contains an entry for this variant (Variation ID: 2061132). Based on the evidence outlined above, the variant was classified as uncertain significance.

Ambry Genetics
Classification: Uncertain significance. Last evaluated: 2025-01-19. Review status: criteria provided, single submitter. Criteria: Ambry Variant Classification Scheme 2023. Collection method: clinical testing. Allele origin: germline.

Labcorp Genetics (formerly Invitae), Labcorp
Classification: Uncertain significance. Last evaluated: 2022-08-22. Review status: criteria provided, single submitter. Criteria: Invitae Variant Classification Sherloc (09022015). Collection method: clinical testing. Allele origin: germline.
Comment: This sequence change replaces histidine, which is basic and polar, with tyrosine, which is neutral and polar, at codon 78 of the NCKAP1L protein (p.His78Tyr). This variant is present in population databases (rs146252835, gnomAD 0.05%). This variant has not been reported in the literature in individuals affected with NCKAP1L-related conditions. Algorithms developed to predict the effect of missense changes on protein structure and function (SIFT, PolyPhen-2, Align-GVGD) all suggest that this variant is likely to be tolerated. In summary, the available evidence is currently insufficient to determine the role of this variant in disease. Therefore, it has been classified as a Variant of Uncertain Significance.